The following is an entry in ClinVar:

ClinVar aggregate classification (germline): Uncertain significance (1 of 4 stars; one submission).

Conditions:
Brugada syndrome 5 (BRGDA5). Identifiers: Orphanet 130, Orphanet 871, MedGen C2748541, MONDO:0013015, OMIM 612838.

gnomAD v4.1: 1 of 1,614,224 alleles (0.000062%); highest among the groups gnomAD compares: Non-Finnish European, 0.000085%; no homozygotes.

Submission:

Labcorp Genetics (formerly Invitae), Labcorp
Classification: Uncertain significance for Brugada syndrome 5. Last evaluated: 2024-05-06. Review status: criteria provided, single submitter. Criteria: Invitae Variant Classification Sherloc (09022015). Collection method: clinical testing. Allele origin: germline.
Comment: The SCN1B gene has multiple clinically relevant transcripts. This variant occurs in alternate transcript NM_001037.5, and corresponds to NM_199037.3:c.*5576C>G in the primary transcript. This sequence change replaces asparagine, which is neutral and polar, with lysine, which is basic and polar, at codon 210 of the SCN1B protein (p.Asn210Lys). This variant is not present in population databases (gnomAD no frequency). This variant has not been reported in the literature in individuals affected with SCN1B-related conditions. Experimental studies and prediction algorithms are not available or were not evaluated, and the functional significance of this variant is currently unknown. In summary, the available evidence is currently insufficient to determine the role of this variant in disease. Therefore, it has been classified as a Variant of Uncertain Significance.

NM_001037.5(SCN1B):c.630C>G (p.Asn210Lys)

Gene: SCN1B (sodium voltage-gated channel beta subunit 1; plus strand). Cytogenetic location: 19q13.11.
Variant type: single nucleotide variant.
Coding change: c.630C>G on transcript NM_001037.5 (MANE Select); coding-DNA position 630, C replaced by G.
Protein change: p.Asn210Lys; replaces asparagine 210 with lysine.
Molecular consequence: missense variant.
Genome position (GRCh38, 1-based): chr19:35,039,674, C>G. VCF-style: chr19-35039674-C-G. GRCh37 (hg19) VCF-style: chr19-35530578-C-G.
Other names: c.531C>G, p.Asn177Lys (NM_001321605.2); short protein forms N177K, N210K.
Identifiers: ClinVar variation 3678364 (VCV003678364.2).
Genomic context (GRCh38, chr19:35,039,674, plus strand): 5'-TACCTGGCCTTTCCCCCACAGCTCGGAATACCTGGCCATCACCTCTGAAAGCAAAGAGAA[C>G]TGCACGGGCGTCCAGGTGGCCGAATAGCCCTGGTAAGGCGGATGGGCTGGCAGAGGGGAA-3'
Protein context (NP_001028.1, residues 200-218): YLAITSESKE[Asn210Lys]CTGVQVAE